The following is an entry in ClinVar:

ClinVar aggregate classification (germline): Uncertain significance. Review status: criteria provided, multiple submitters, no conflicts (2 of 4 stars). 5 submissions from 5 submitters: Uncertain significance (5). Last evaluated 2025-12-15.

Conditions:
Cardiovascular phenotype. Identifiers: MedGen CN230736.

Allele frequency attached by ClinVar (database versions not stated): TOPMed 0.00001.
gnomAD v4.1: 22 of 1,612,340 alleles (0.0014%); highest among the groups gnomAD compares: Middle Eastern, 0.043%; no homozygotes.

Submissions (5):

Labcorp Genetics (formerly Invitae), Labcorp
Classification: Uncertain significance. Last evaluated: 2025-12-15. Review status: criteria provided, single submitter. Criteria: Invitae Variant Classification Sherloc (09022015). Collection method: clinical testing. Allele origin: germline.
Comment: This sequence change replaces valine, which is neutral and non-polar, with leucine, which is neutral and non-polar, at codon 205 of the ABCG8 protein (p.Val205Leu). This variant is present in population databases (no rsID available, gnomAD 0.0009%). This variant has not been reported in the literature in individuals affected with ABCG8-related conditions. ClinVar contains an entry for this variant (Variation ID: 501520). Invitae Evidence Modeling of protein sequence and biophysical properties (such as structural, functional, and spatial information, amino acid conservation, physicochemical variation, residue mobility, and thermodynamic stability) indicates that this missense variant is not expected to disrupt ABCG8 protein function with a negative predictive value of 80%. In summary, the available evidence is currently insufficient to determine the role of this variant in disease. Therefore, it has been classified as a Variant of Uncertain Significance.

Ambry Genetics
Classification: Uncertain significance for Cardiovascular phenotype. Last evaluated: 2025-10-18. Review status: criteria provided, single submitter. Criteria: Ambry Variant Classification Scheme 2023. Collection method: clinical testing. Allele origin: germline.

Blueprint Genetics
Classification: Uncertain significance. Last evaluated: 2021-11-10. Review status: criteria provided, single submitter. Criteria: ACMG Guidelines, 2015. Collection method: clinical testing. Allele origin: germline.

Mayo Clinic Laboratories, Mayo Clinic
Classification: Uncertain significance. Last evaluated: 2021-10-07. Review status: criteria provided, single submitter. Criteria: ACMG Guidelines, 2015. Collection method: clinical testing. Allele origin: germline.

Eurofins Ntd Llc (ga)
Classification: Uncertain significance. Last evaluated: 2017-04-18. Review status: criteria provided, single submitter. Criteria: EGL Classification Definitions 2015. Collection method: clinical testing. Allele origin: germline. Observed: 1 variant allele, 1 heterozygote.

NM_022437.3(ABCG8):c.613G>C (p.Val205Leu)

Gene: ABCG8 (ATP binding cassette subfamily G member 8; plus strand). Cytogenetic location: 2p21.
Variant type: single nucleotide variant.
Coding change: c.613G>C on transcript NM_022437.3 (MANE Select); coding-DNA position 613, G replaced by C.
Protein change: p.Val205Leu; replaces valine 205 with leucine.
Molecular consequence: missense variant.
Genome position (GRCh38, 1-based): chr2:43,852,405, G>C. VCF-style: chr2-43852405-G-C. GRCh37 (hg19) VCF-style: chr2-44079544-G-C.
Other names: p.Val205Leu; c.613G>C (NM_022437.2); c.613G>C, p.Val205Leu (NM_001357321.2); short protein forms V205L.
Identifiers: ClinVar variation 501520 (VCV000501520.15), dbSNP rs373723529, ClinGen allele CA346666032.
Genomic context (GRCh38, chr2:43,852,405, plus strand): 5'-GGCCCACAGGTGGAGGACGTGATCGCGGAGCTGCGGCTTAGGCAGTGCGCTGACACCCGC[G>C]TGGGCAACATGTACGTGCGGGGGTTGTCGGGGGGTGAGCGCAGGAGAGTCAGCATTGGGG-3'
Protein context (NP_071882.1, residues 195-215): LRLRQCADTR[Val205Leu]GNMYVRGLSG